The following is an entry in ClinVar:

NM_001211.6(BUB1B):c.2595C>G (p.Asn865Lys)

Gene: BUB1B (BUB1 mitotic checkpoint serine/threonine kinase B; plus strand). Cytogenetic location: 15q15.1.
Variant type: single nucleotide variant.
Coding change: c.2595C>G on transcript NM_001211.6 (MANE Select); coding-DNA position 2595, C replaced by G.
Protein change: p.Asn865Lys; replaces asparagine 865 with lysine.
Molecular consequence: missense variant.
Genome position (GRCh38, 1-based): chr15:40,213,391, C>G. VCF-style: chr15-40213391-C-G. GRCh37 (hg19) VCF-style: chr15-40505592-C-G.
Other names: short protein forms N865K.
Identifiers: ClinVar variation 4600514 (VCV004600514.1).

ClinVar aggregate classification (germline): Uncertain significance (1 of 4 stars; one submission).

Conditions:
Inborn genetic diseases. Identifiers: MedGen C0950123, MeSH D030342.

Submission:

Ambry Genetics
Classification: Uncertain significance for Inborn genetic diseases. Last evaluated: 2025-11-05. Review status: criteria provided, single submitter. Criteria: Ambry Variant Classification Scheme 2023. Collection method: clinical testing. Allele origin: germline.
Comment: The p.N865K variant (also known as c.2595C>G), located in coding exon 20 of the BUB1B gene, results from a C to G substitution at nucleotide position 2595. The asparagine at codon 865 is replaced by lysine, an amino acid with similar properties. This amino acid position is conserved. In addition, this alteration is predicted to be tolerated by in silico analysis. Based on the available evidence, the clinical significance of this variant remains unclear.